The following is an entry in ClinVar:

ClinVar aggregate classification (germline): Pathogenic (1 of 4 stars; one submission).

Submission:

Labcorp Genetics (formerly Invitae), Labcorp
Classification: Pathogenic. Last evaluated: 2022-09-04. Review status: criteria provided, single submitter. Criteria: Invitae Variant Classification Sherloc (09022015). Collection method: clinical testing. Allele origin: germline.
Comment: For these reasons, this variant has been classified as Pathogenic. This variant has not been reported in the literature in individuals affected with HERC1-related conditions. A gross deletion of the genomic region encompassing the full coding sequence of the HERC1 gene has been identified. Loss-of-function variants in HERC1 are known to be pathogenic (PMID: 26138117, 26153217, 27108999). The boundaries of this event are unknown as they extend beyond the assayed region for this gene and therefore may encompass additional genes.

Literature cited by the submitters: PubMed 26138117; PubMed 26153217; PubMed 27108999.

NC_000015.9:g.(?_62146656)_(64747263_?)del

Genes: APH1B (aph-1 homolog B, gamma-secretase subunit; plus strand), C2CD4A (C2 calcium dependent domain containing 4A; plus strand), C2CD4B (C2 calcium dependent domain containing 4B; minus strand), CA12 (carbonic anhydrase 12; minus strand), CIAO2A (cytosolic iron-sulfur assembly component 2A; minus strand) and 16 more. Cytogenetic location: 15q22.2-22.31.
Variant type: Deletion.
Identifiers: ClinVar variation 2424797 (VCV002424797.3).